The following is an entry in ClinVar:

NM_007294.4(BRCA1):c.2164G>T (p.Val722Phe)

Gene: BRCA1 (BRCA1 DNA repair associated; minus strand). Cytogenetic location: 17q21.31.
Variant type: single nucleotide variant.
Coding change: c.2164G>T on transcript NM_007294.4 (MANE Select); coding-DNA position 2164, G replaced by T.
Protein change: p.Val722Phe; replaces valine 722 with phenylalanine.
Molecular consequence: missense variant. On other transcripts: intron variant (137).
Genome position (GRCh38, 1-based): chr17:43,093,367, C>A on the plus strand (G>T on the coding strand, the complement: BRCA1 is on the minus strand). VCF-style: chr17-43093367-C-A. GRCh37 (hg19) VCF-style: chr17-41245384-C-A.
Other names: c.1951G>T, p.Val651Phe (NM_001407571.1, NM_001407853.1, NM_001407894.1 and 9 more transcripts); c.2164G>T, p.Val722Phe (NM_001407581.1, NM_001407582.1, NM_001407583.1 and 30 more transcripts); c.2161G>T, p.Val721Phe (NM_001407587.1, NM_001407590.1, NM_001407591.1 and 22 more transcripts); c.2155G>T, p.Val719Phe (NM_001407646.1, NM_001407647.1); c.2041G>T, p.Val681Phe (NM_001407648.1, NM_001407664.1, NM_001407665.1 and 19 more transcripts); c.2038G>T, p.Val680Phe (NM_001407649.1, NM_001407670.1, NM_001407671.1 and 11 more transcripts); c.2086G>T, p.Val696Phe (NM_001407653.1, NM_001407654.1, NM_001407655.1 and 4 more transcripts); c.2083G>T, p.Val695Phe (NM_001407659.1, NM_001407660.1, NM_001407661.1 and 1 more transcripts); and 41 more; short protein forms V426F, V554F, V594F, V595F, V610F, V611F, V633F, V634F.
Identifiers: ClinVar variation 1720088 (VCV001720088.8), dbSNP rs2154395949, ClinGen allele CA10597674.
Genomic context (GRCh38, chr17:43,093,367, plus strand): 5'-TAGACACTTTAACTGTTTCTAGTTTCTCTTCTTTTTCTTCTCTTGGAAGGCTAGGATTGA[C>A]AAATTCTTTAAGTTCACTGGTATTTGAACACTTAGTAAAAGAACCAGGTGCATTTGTTAA-3'
Protein context (NP_009225.1, residues 712-732): CSNTSELKEF[Val722Phe]NPSLPREEKE

ClinVar aggregate classification (germline): Conflicting classifications of pathogenicity. Review status: criteria provided, conflicting classifications (1 of 4 stars). 2 submissions from 2 submitters: Uncertain significance (1); Likely benign (1). Last evaluated 2023-03-23.

Conditions:
Hereditary cancer-predisposing syndrome. Also called: Hereditary neoplastic syndrome; Neoplastic Syndromes, Hereditary; Hereditary Cancer Syndrome; Tumor predisposition. Identifiers: Orphanet 140162, MedGen C0027672, MeSH D009386, MONDO:0015356.
Hereditary breast ovarian cancer syndrome. Also called: BRCA1- and BRCA2-Associated Hereditary Breast and Ovarian Cancer; Hereditary breast and ovarian cancer syndrome (HBOC); Hereditary breast and/or ovarian cancer syndrome; Hereditary breast and ovarian cancer syndrome; Hereditary breast and ovarian cancer; Breast and ovarian cancer. Identifiers: Orphanet 145, MedGen C0677776, MeSH D061325, MONDO:0003582. Disease mechanism: loss of function.

Allele frequency attached by ClinVar (database versions not stated): gnomAD exomes below 0.00001.
gnomAD v4.1: 1 of 1,613,960 alleles (0.000062%); highest among the groups gnomAD compares: African/African-American, 0.0013%; no homozygotes.

Submissions (2):

University of Washington Department of Laboratory Medicine, University of Washington
Classification: Likely benign for Hereditary cancer-predisposing syndrome. Last evaluated: 2023-03-23. Review status: criteria provided, single submitter. Criteria: Dines et al. (Genet Med. 2020). Collection method: curation. Allele origin: germline.
Comment: Missense variant in a coldspot region where missense variants are very unlikely to be pathogenic (PMID:31911673).

BRCA1 coldspot (exon 11 using historical exon numbering). Reclassification based on statistical prior probability

Labcorp Genetics (formerly Invitae), Labcorp
Classification: Uncertain significance for Hereditary breast ovarian cancer syndrome. Last evaluated: 2022-09-22. Review status: criteria provided, single submitter. Criteria: Invitae Variant Classification Sherloc (09022015). Collection method: clinical testing. Allele origin: germline.
Comment: This sequence change replaces valine, which is neutral and non-polar, with phenylalanine, which is neutral and non-polar, at codon 722 of the BRCA1 protein (p.Val722Phe). This variant is not present in population databases (gnomAD no frequency). This variant has not been reported in the literature in individuals affected with BRCA1-related conditions. Advanced modeling of protein sequence and biophysical properties (such as structural, functional, and spatial information, amino acid conservation, physicochemical variation, residue mobility, and thermodynamic stability) performed at Invitae indicates that this missense variant is not expected to disrupt BRCA1 protein function. In summary, the available evidence is currently insufficient to determine the role of this variant in disease. Therefore, it has been classified as a Variant of Uncertain Significance.